The following is an entry in ClinVar:

NM_000368.5(TSC1):c.548G>C (p.Ser183Thr)

Gene: TSC1 (TSC complex subunit 1; minus strand). Cytogenetic location: 9q34.13.
Variant type: single nucleotide variant.
Coding change: c.548G>C on transcript NM_000368.5 (MANE Select); coding-DNA position 548, G replaced by C.
Protein change: p.Ser183Thr; replaces serine 183 with threonine.
Molecular consequence: missense variant.
Genome position (GRCh38, 1-based): chr9:132,921,934, C>G on the plus strand (G>C on the coding strand, the complement: TSC1 is on the minus strand). VCF-style: chr9-132921934-C-G. GRCh37 (hg19) VCF-style: chr9-135797321-C-G.
Other names: c.548G>C, p.Ser183Thr (NM_001162426.2); c.395G>C, p.Ser132Thr (NM_001162427.2); c.185G>C, p.Ser62Thr (NM_001362177.2); short protein forms S183T, S132T, S62T.
Identifiers: ClinVar variation 534431 (VCV000534431.11), dbSNP rs1554819580, ClinGen allele CA375372781.

ClinVar aggregate classification (germline): Uncertain significance. Review status: criteria provided, multiple submitters, no conflicts (2 of 4 stars). 2 submissions from 2 submitters: Uncertain significance (2). Last evaluated 2025-06-02.

Conditions:
Hereditary cancer-predisposing syndrome. Also called: Neoplastic Syndromes, Hereditary; Hereditary neoplastic syndrome; Tumor predisposition; Hereditary Cancer Syndrome. Identifiers: Orphanet 140162, MedGen C0027672, MeSH D009386, MONDO:0015356.
Tuberous sclerosis 1 (TSC1). Identifiers: Orphanet 805, MedGen C1854465, MONDO:0008612, OMIM 191100.

Allele frequency attached by ClinVar (database versions not stated): gnomAD exomes below 0.00001.
gnomAD v4.1: 1 of 1,614,188 alleles (0.000062%); highest among the groups gnomAD compares: South Asian, 0.0011%; no homozygotes.

Submissions (2):

Labcorp Genetics (formerly Invitae), Labcorp
Classification: Uncertain significance for Tuberous sclerosis 1. Last evaluated: 2025-06-02. Review status: criteria provided, single submitter. Criteria: Invitae Variant Classification Sherloc (09022015). Collection method: clinical testing. Allele origin: germline.
Comment: This sequence change replaces serine, which is neutral and polar, with threonine, which is neutral and polar, at codon 183 of the TSC1 protein (p.Ser183Thr). This variant is not present in population databases (gnomAD no frequency). This variant has not been reported in the literature in individuals affected with TSC1-related conditions. ClinVar contains an entry for this variant (Variation ID: 534431). Invitae Evidence Modeling of protein sequence and biophysical properties (such as structural, functional, and spatial information, amino acid conservation, physicochemical variation, residue mobility, and thermodynamic stability) has been performed for this missense variant. However, the output from this modeling did not meet the statistical confidence thresholds required to predict the impact of this variant on TSC1 protein function. In summary, the available evidence is currently insufficient to determine the role of this variant in disease. Therefore, it has been classified as a Variant of Uncertain Significance.

Ambry Genetics
Classification: Uncertain significance for Hereditary cancer-predisposing syndrome. Last evaluated: 2021-02-17. Review status: criteria provided, single submitter. Criteria: Ambry Variant Classification Scheme 2023. Collection method: clinical testing. Allele origin: germline.
Comment: The p.S183T variant (also known as c.548G>C), located in coding exon 5 of the TSC1 gene, results from a G to C substitution at nucleotide position 548. The serine at codon 183 is replaced by threonine, an amino acid with similar properties. This amino acid position is highly conserved in available vertebrate species. In addition, this alteration is predicted to be deleterious by in silico analysis. Since supporting evidence is limited at this time, the clinical significance of this alteration remains unclear.